The following is an entry in ClinVar:

ClinVar aggregate classification (germline): Uncertain significance (1 of 4 stars; one submission).

Conditions:
Hereditary cancer-predisposing syndrome. Also called: Neoplastic Syndromes, Hereditary; Tumor predisposition; Hereditary Cancer Syndrome; Hereditary neoplastic syndrome. Identifiers: Orphanet 140162, MedGen C0027672, MeSH D009386, MONDO:0015356.

Submission:

Ambry Genetics
Classification: Uncertain significance for Hereditary cancer-predisposing syndrome. Last evaluated: 2022-08-07. Review status: criteria provided, single submitter. Criteria: Ambry Variant Classification Scheme 2023. Collection method: clinical testing. Allele origin: germline.
Comment: The p.P23R variant (also known as c.68C>G), located in coding exon 1 of the RB1 gene, results from a C to G substitution at nucleotide position 68. The proline at codon 23 is replaced by arginine, an amino acid with dissimilar properties. This amino acid position is conserved. In addition, the in silico prediction for this alteration is inconclusive. Since supporting evidence is limited at this time, the clinical significance of this alteration remains unclear.

NM_000321.3(RB1):c.68C>G (p.Pro23Arg)

Gene: RB1 (RB transcriptional corepressor 1; plus strand). Cytogenetic location: 13q14.2.
Variant type: single nucleotide variant.
Coding change: c.68C>G on transcript NM_000321.3 (MANE Select); coding-DNA position 68, C replaced by G.
Protein change: p.Pro23Arg; replaces proline 23 with arginine.
Molecular consequence: missense variant.
Genome position (GRCh38, 1-based): chr13:48,303,980, C>G. VCF-style: chr13-48303980-C-G. GRCh37 (hg19) VCF-style: chr13-48878116-C-G.
Other names: c.68C>G, p.Pro23Arg (NM_001407165.1, NM_001407166.1, NM_001407167.1); short protein forms P23R.
Identifiers: ClinVar variation 1756055 (VCV001756055.2), dbSNP rs1952053594, ClinGen allele CA388250260.